The following is an entry in ClinVar:

NM_000548.5(TSC2):c.2098-15C>T

Gene: TSC2 (TSC complex subunit 2; plus strand). Cytogenetic location: 16p13.3.
Variant type: single nucleotide variant.
Coding change: c.2098-15C>T on transcript NM_000548.5 (MANE Select); 15 bases into the intron before coding-DNA position 2098, C replaced by T.
Molecular consequence: intron variant.
Genome position (GRCh38, 1-based): chr16:2,072,226, C>T. VCF-style: chr16-2072226-C-T. GRCh37 (hg19) VCF-style: chr16-2122227-C-T.
Other names: c.2098-15C>T (NM_001114382.3, NM_021055.3, NM_001370405.1 and 3 more transcripts); c.1987-15C>T (NM_001318827.2); c.1498-15C>T (NM_001318831.2); c.1951-15C>T (NM_001318829.2); c.2131-15C>T (NM_001318832.2).
Identifiers: ClinVar variation 2416163 (VCV002416163.7), dbSNP rs775111741, ClinGen allele CA2580090501.

ClinVar aggregate classification (germline): Likely benign. Review status: criteria provided, multiple submitters, no conflicts (2 of 4 stars). 2 submissions from 2 submitters: Likely benign (2). Last evaluated 2025-11-05.

Conditions:
Tuberous sclerosis 2 (TSC2). Identifiers: Orphanet 805, MedGen C1860707, MONDO:0013199, OMIM 613254.

gnomAD v4.1: 1 of 1,613,918 alleles (0.000062%); highest among the groups gnomAD compares: Non-Finnish European, 0.000085%; no homozygotes.

Submissions (2):

Labcorp Genetics (formerly Invitae), Labcorp
Classification: Likely benign for Tuberous sclerosis 2. Last evaluated: 2025-11-05. Review status: criteria provided, single submitter. Criteria: Invitae Variant Classification Sherloc (09022015). Collection method: clinical testing. Allele origin: germline.

Myriad Genetics, Inc.
Classification: Likely benign for Tuberous sclerosis 2. Last evaluated: 2025-05-19. Review status: criteria provided, single submitter. Criteria: Myriad Autosomal Dominant, Autosomal Recessive and X-Linked Classification Criteria (2023). Collection method: clinical testing. Allele origin: unknown.
Comment: This variant is considered likely benign. This variant is intronic and is not expected to impact mRNA splicing.